The following is an entry in ClinVar:

NM_018191.4(RCBTB1):c.891G>A (p.Thr297=)

Gene: RCBTB1 (RCC1 and BTB domain containing protein 1; minus strand). Cytogenetic location: 13q14.2.
Variant type: single nucleotide variant.
Coding change: c.891G>A on transcript NM_018191.4 (MANE Select); coding-DNA position 891, G replaced by A.
Protein change: p.Thr297=; no amino-acid change (threonine 297 retained).
Molecular consequence: synonymous variant. On other transcripts: non-coding transcript variant (2).
Genome position (GRCh38, 1-based): chr13:49,549,612, C>T on the plus strand (G>A on the coding strand, the complement: RCBTB1 is on the minus strand). VCF-style: chr13-49549612-C-T. GRCh37 (hg19) VCF-style: chr13-50123748-C-T.
Other names: c.891G>A, p.Thr297= (NM_001352500.2, NM_001352501.2, NM_001352502.2 and 3 more transcripts); c.312G>A, p.Thr104= (NM_001352506.2).
Identifiers: ClinVar variation 1105623 (VCV001105623.26), dbSNP rs147327509, ClinGen allele CA6982742.
Genomic context (GRCh38, chr13:49,549,612, plus strand): 5'-GGACTGACCCCGGCACTGGCCCCACATGTACACGTGCCCACCCTGCGTCTTGGCTGCAGA[C>T]GTGTGGGCAGAGTGACAGGCTGCAATCTCTACCACCCTGAAAAGTTTTAAGAAAAATGCA-3'
Protein context (NP_060661.3, residues 287-307): VEIAACHSAH[Thr297=]SAAKTQGGHV

ClinVar aggregate classification (germline): Likely benign. Review status: criteria provided, multiple submitters, no conflicts (2 of 4 stars). 5 submissions from 5 submitters: Likely benign (3). 2 of the submissions do not count toward it. Last evaluated 2025-12-15.

Allele frequency attached by ClinVar (database versions not stated): gnomAD 0.00004 and 0.00005; TOPMed 0.00004; ExAC 0.00017; 1000 Genomes Project 0.00040; 1000 Genomes Project 30x 0.00047.
gnomAD v4.1: 132 of 1,613,490 alleles (0.0082%); highest among the groups gnomAD compares: South Asian, 0.065%; no homozygotes.

Submissions (5):

Labcorp Genetics (formerly Invitae), Labcorp
Classification: Likely benign. Last evaluated: 2025-12-15. Review status: criteria provided, single submitter. Criteria: Invitae Variant Classification Sherloc (09022015). Collection method: clinical testing. Allele origin: germline.

CeGaT Center for Human Genetics Tuebingen
Classification: Likely benign. Last evaluated: 2025-02-01. Review status: criteria provided, single submitter. Criteria: CeGaT Center For Human Genetics Tuebingen Variant Classification Criteria Version 2. Collection method: clinical testing. Allele origin: germline. Affected: yes. Observed: 1 variant allele.
Comment: RCBTB1: BP4, BP7

Blueprint Genetics
Classification: Likely benign. Last evaluated: 2024-11-07. Review status: criteria provided, single submitter. Criteria: ACMG Guidelines, 2015. Collection method: clinical testing. Allele origin: germline.

Clinical Genetics DNA and cytogenetics Diagnostics Lab, Erasmus MC, Erasmus Medical Center
Classification: Likely benign. Review status: no assertion criteria provided. Collection method: clinical testing. Allele origin: germline. Affected: yes. Study: VKGL Data-share Consensus. Not counted in ClinVar's aggregate classification.

Clinical Genetics, Academic Medical Center
Classification: Likely benign. Review status: no assertion criteria provided. Collection method: clinical testing. Allele origin: germline. Affected: yes. Study: VKGL Data-share Consensus. Not counted in ClinVar's aggregate classification.